The following is an entry in ClinVar:

NM_003742.4(ABCB11):c.1954A>C (p.Thr652Pro)

Gene: ABCB11 (ATP binding cassette subfamily B member 11; minus strand). Cytogenetic location: 2q31.1.
Variant type: single nucleotide variant.
Coding change: c.1954A>C on transcript NM_003742.4 (MANE Select); coding-DNA position 1954, A replaced by C.
Protein change: p.Thr652Pro; replaces threonine 652 with proline.
Molecular consequence: missense variant.
Genome position (GRCh38, 1-based): chr2:168,969,407, T>G on the plus strand (A>C on the coding strand, the complement: ABCB11 is on the minus strand). VCF-style: chr2-168969407-T-G. GRCh37 (hg19) VCF-style: chr2-169825917-T-G.
Other names: short protein forms T652P.
Identifiers: ClinVar variation 4995973 (VCV004995973.1).

ClinVar aggregate classification (germline): Uncertain significance (1 of 4 stars; one submission).

Conditions:
ABCB11-related disorder. Also called: ABCB11-related condition.

Submission:

PreventionGenetics, part of Exact Sciences
Classification: Uncertain significance for ABCB11-related condition. Last evaluated: 2025-09-14. Review status: criteria provided, single submitter. Criteria: ACMG Guidelines, 2015. Collection method: clinical testing. Allele origin: germline.
Comment: The ABCB11 c.1954A>C variant is predicted to result in the amino acid substitution p.Thr652Pro. To our knowledge, this variant has not been reported in the literature or in a large population database (gnomAD), indicating this variant is rare. At this time, the clinical significance of this variant is uncertain due to the absence of conclusive functional and genetic evidence.